The following is an entry in ClinVar:

NM_000195.5(HPS1):c.1533-5G>A

Gene: HPS1 (HPS1 biogenesis of lysosomal organelles complex 3 subunit 1; minus strand). Cytogenetic location: 10q24.2.
Variant type: single nucleotide variant.
Coding change: c.1533-5G>A on transcript NM_000195.5 (MANE Select); 5 bases into the intron before coding-DNA position 1533, G replaced by A.
Molecular consequence: intron variant.
Genome position (GRCh38, 1-based): chr10:98,423,673, C>T on the plus strand (G>A on the coding strand, the complement: HPS1 is on the minus strand). VCF-style: chr10-98423673-C-T. GRCh37 (hg19) VCF-style: chr10-100183430-C-T.
Other names: c.1164-5G>A (NM_001322483.2, NM_001322484.2); c.1272-5G>A (NM_001322480.2, NM_001322481.2); c.1434-5G>A (NM_001322478.2, NM_001322479.2); c.1533-5G>A (NM_001322476.2, NM_001322477.2); c.1065-5G>A (NM_001322485.2); c.1173-5G>A (NM_001322482.2); c.561-5G>A (NM_001322489.2, NM_001311345.2, NM_001322487.2).
Identifiers: ClinVar variation 1448461 (VCV001448461.3), dbSNP rs369658421, ClinGen allele CA5638975.

ClinVar aggregate classification (germline): Uncertain significance (1 of 4 stars; one submission).

gnomAD v4.1: 21 of 1,613,922 alleles (0.0013%); highest among the groups gnomAD compares: Admixed American, 0.0033%; no homozygotes.

Submission:

Labcorp Genetics (formerly Invitae), Labcorp
Classification: Uncertain significance. Last evaluated: 2022-04-24. Review status: criteria provided, single submitter. Criteria: Invitae Variant Classification Sherloc (09022015). Collection method: clinical testing. Allele origin: germline.
Comment: This sequence change falls in intron 15 of the HPS1 gene. It does not directly change the encoded amino acid sequence of the HPS1 protein. This variant is present in population databases (rs369658421, gnomAD 0.003%). This variant has not been reported in the literature in individuals affected with HPS1-related conditions. Algorithms developed to predict the effect of sequence changes on RNA splicing suggest that this variant may create or strengthen a splice site. In summary, the available evidence is currently insufficient to determine the role of this variant in disease. Therefore, it has been classified as a Variant of Uncertain Significance.